The following is an entry in ClinVar:

ClinVar aggregate classification (germline): Uncertain significance (1 of 4 stars; one submission).

Submission:

Labcorp Genetics (formerly Invitae), Labcorp
Classification: Uncertain significance. Last evaluated: 2024-12-18. Review status: criteria provided, single submitter. Criteria: Invitae Variant Classification Sherloc (09022015). Collection method: clinical testing. Allele origin: germline.
Comment: This sequence change replaces glutamine, which is neutral and polar, with lysine, which is basic and polar, at codon 165 of the FBLN5 protein (p.Gln165Lys). This variant is not present in population databases (gnomAD no frequency). This variant has not been reported in the literature in individuals affected with FBLN5-related conditions. Invitae Evidence Modeling of protein sequence and biophysical properties (such as structural, functional, and spatial information, amino acid conservation, physicochemical variation, residue mobility, and thermodynamic stability) indicates that this missense variant is not expected to disrupt FBLN5 protein function with a negative predictive value of 80%. Algorithms developed to predict the effect of sequence changes on RNA splicing suggest that this variant may disrupt the consensus splice site. In summary, the available evidence is currently insufficient to determine the role of this variant in disease. Therefore, it has been classified as a Variant of Uncertain Significance.

NM_006329.4(FBLN5):c.493C>A (p.Gln165Lys)

Gene: FBLN5 (fibulin 5; minus strand). Cytogenetic location: 14q32.12.
Variant type: single nucleotide variant.
Coding change: c.493C>A on transcript NM_006329.4 (MANE Select); coding-DNA position 493, C replaced by A.
Protein change: p.Gln165Lys; replaces glutamine 165 with lysine.
Molecular consequence: missense variant.
Genome position (GRCh38, 1-based): chr14:91,894,959, G>T on the plus strand (C>A on the coding strand, the complement: FBLN5 is on the minus strand). VCF-style: chr14-91894959-G-T. GRCh37 (hg19) VCF-style: chr14-92361303-G-T.
Other names: c.616C>A, p.Gln206Lys (NM_001384158.1); c.544C>A, p.Gln182Lys (NM_001384159.1); c.493C>A, p.Gln165Lys (NM_001384160.1); c.325C>A, p.Gln109Lys (NM_001384161.1, NM_001384162.1); short protein forms Q165K, Q109K, Q182K, Q206K.
Identifiers: ClinVar variation 3701056 (VCV003701056.2).
Genomic context (GRCh38, chr14:91,894,959, plus strand): 5'-GGCAACCGTTAACTTCCAAGAGTCCCTGTGACCCCCCCAGAGAGCTGTTACCTAAGCACT[G>T]GCCTTCCAGAAGCCAATATCCGTCGGTGCAGGAGCAGGTGTACCCGCCTTCAGTATTGAT-3'
Protein context (NP_006320.2, residues 155-175): CTDGYWLLEG[Gln165Lys]CLDIDECRYG